The following is an entry in ClinVar:

NM_001393797.1(ABCC12):c.739C>T (p.Leu247=)

Gene: ABCC12 (ATP binding cassette subfamily C member 12; minus strand). Cytogenetic location: 16q12.1.
Variant type: single nucleotide variant.
Coding change: c.739C>T on transcript NM_001393797.1 (MANE Select); coding-DNA position 739, C replaced by T.
Protein change: p.Leu247=; no amino-acid change (leucine 247 retained).
Molecular consequence: synonymous variant. On other transcripts: non-coding transcript variant (5).
Genome position (GRCh38, 1-based): chr16:48,139,255, G>A on the plus strand (C>T on the coding strand, the complement: ABCC12 is on the minus strand). VCF-style: chr16-48139255-G-A. GRCh37 (hg19) VCF-style: chr16-48173166-G-A.
Other names: c.739C>T, p.Leu247= (NM_001392028.1, NM_033226.3).
Identifiers: ClinVar variation 4983493 (VCV004983493.1).

ClinVar aggregate classification (germline): Likely benign (1 of 4 stars; one submission).

Conditions:
ABCC12-related condition.

Submission:

PreventionGenetics, part of Exact Sciences
Classification: Likely benign for ABCC12-related condition. Last evaluated: 2026-03-22. Review status: criteria provided, single submitter. Criteria: ACMG Guidelines, 2015. Collection method: clinical testing. Allele origin: germline.
Comment: This variant is classified as likely benign based on ACMG/AMP sequence variant interpretation guidelines (Richards et al. 2015 PMID: 25741868, with internal and published modifications).